The following is an entry in ClinVar:

ClinVar aggregate classification (germline): Uncertain significance (1 of 4 stars; one submission).

Conditions:
Diabetes insipidus, nephrogenic, X-linked. Also called: Nephrogenic Diabetes Insipidus, Type I. Identifiers: Orphanet 223, MedGen C1563705, MONDO:0010581, OMIM 304800.

Submission:

Victorian Clinical Genetics Services, Murdoch Childrens Research Institute
Classification: Uncertain significance for Diabetes insipidus, nephrogenic, X-linked. Last evaluated: 2026-04-14. Review status: criteria provided, single submitter. Criteria: ACMG Guidelines, 2015. Collection method: clinical testing. Allele origin: germline. Affected: yes.
Comment: This variant is classified as VUS-3A. Evidence in support of pathogenic classification: Variant is absent from gnomAD (v2, v3 and v4). Additional information: Variant is predicted to result in a missense amino acid change from Met to Arg; This gene is associated with X-linked disease; Alternative amino acid change(s) at the same position are present in gnomAD (Highest allele count: v4: 10 heterozygote(s), 0 homozygote(s), 1 hemizygote(s)); This variant has no previous evidence of pathogenicity; No published evidence of segregation with disease has been identified for this variant; No published functional evidence has been identified for this variant; No comparable missense variants have previous evidence for pathogenicity; Variant is located in the annotated 7 transmembrane receptor (rhodopsin family) domain (DECIPHER); Missense variant with inconclusive in silico prediction and uninformative conservation; Loss of function and gain of function are known mechanisms of disease in this gene and are associated with nephrogenic diabetes insipidus 1 (MIM#304800) and nephrogenic syndrome of inappropriate antidiuresis (MIM#300539), respectively (PMID: 27355191).

Literature cited by the submitters: PubMed 27355191.

NM_000054.7(AVPR2):c.386T>G (p.Met129Arg)

Gene: AVPR2 (arginine vasopressin receptor 2; plus strand). Cytogenetic location: Xq28.
Variant type: single nucleotide variant.
Coding change: c.386T>G on transcript NM_000054.7 (MANE Select); coding-DNA position 386, T replaced by G.
Protein change: p.Met129Arg; replaces methionine 129 with arginine.
Molecular consequence: missense variant.
Genome position (GRCh38, 1-based): chrX:153,905,892, T>G. VCF-style: chrX-153905892-T-G. GRCh37 (hg19) VCF-style: chrX-153171346-T-G.
Other names: c.386T>G, p.Met129Arg (NM_001146151.3); short protein forms M129R.
Identifiers: ClinVar variation 4532169 (VCV004532169.2).
Genomic context (GRCh38, chrX:153,905,892, plus strand): 5'-ATGCCCTGTGTCGGGCCGTGAAGTATCTGCAGATGGTGGGCATGTATGCCTCCTCCTACA[T>G]GATCCTGGCCATGACGCTGGACCGCCACCGTGCCATCTGCCGTCCCATGCTGGCGTACCG-3'
Protein context (NP_000045.1, residues 119-139): QMVGMYASSY[Met129Arg]ILAMTLDRHR